The following is an entry in ClinVar:

ClinVar aggregate classification (germline): Likely benign. Review status: criteria provided, single submitter (1 of 4 stars). 2 submissions from 2 submitters: Likely benign (1). 1 of the submissions does not count toward it. Last evaluated 2018-08-16.

Conditions:
INPP5E-related disorder. Also called: INPP5E-related condition.

Allele frequency attached by ClinVar (database versions not stated): gnomAD exomes below 0.00001; gnomAD 0.00001.
gnomAD v4.1: 3 of 1,583,536 alleles (0.00019%); highest among the groups gnomAD compares: African/African-American, 0.0013%; no homozygotes.

Submissions (2):

Labcorp Genetics (formerly Invitae), Labcorp
Classification: Likely benign. Last evaluated: 2018-08-16. Review status: criteria provided, single submitter. Criteria: Invitae Variant Classification Sherloc (09022015). Collection method: clinical testing. Allele origin: germline.

PreventionGenetics, part of Exact Sciences
Classification: Likely benign for INPP5E-related condition. Last evaluated: 2022-03-31. Review status: no assertion criteria provided. Collection method: clinical testing. Allele origin: germline. Not counted in ClinVar's aggregate classification.
Comment: This variant is classified as likely benign based on ACMG/AMP sequence variant interpretation guidelines (Richards et al. 2015 PMID: 25741868, with internal and published modifications).

NM_019892.6(INPP5E):c.525C>T (p.Asp175=)

Gene: INPP5E (inositol polyphosphate-5-phosphatase E; minus strand). Cytogenetic location: 9q34.3.
Variant type: single nucleotide variant.
Coding change: c.525C>T on transcript NM_019892.6 (MANE Select); coding-DNA position 525, C replaced by T.
Protein change: p.Asp175=; no amino-acid change (aspartic acid 175 retained).
Molecular consequence: synonymous variant.
Genome position (GRCh38, 1-based): chr9:136,438,895, G>A on the plus strand (C>T on the coding strand, the complement: INPP5E is on the minus strand). VCF-style: chr9-136438895-G-A. GRCh37 (hg19) VCF-style: chr9-139333347-G-A.
Other names: c.525C>T, p.Asp175= (NM_001318502.2); c.525C>T (NM_019892.5).
Identifiers: ClinVar variation 764635 (VCV000764635.4), dbSNP rs1035971936, ClinGen allele CA201648816.